The following is an entry in ClinVar:

ClinVar aggregate classification (germline): Benign/Likely benign. Review status: criteria provided, multiple submitters, no conflicts (2 of 4 stars). 6 submissions from 6 submitters: Benign (1); Likely benign (5). Last evaluated 2024-05-24.

Conditions:
Hereditary cancer-predisposing syndrome. Also called: Neoplastic Syndromes, Hereditary; Tumor predisposition; Hereditary Cancer Syndrome; Hereditary neoplastic syndrome. Identifiers: Orphanet 140162, MedGen C0027672, MeSH D009386, MONDO:0015356.
Familial cancer of breast. Also called: BREAST CANCER, FAMILIAL; Hereditary breast cancer; hereditary breast carcinoma. Identifiers: Orphanet 227535, MedGen C0346153, MONDO:0016419, OMIM 114480. Disease mechanism: loss of function.
Ataxia-telangiectasia syndrome (AT). Also called: Cerebello-oculocutaneous telangiectasia; Immunodeficiency with ataxia telangiectasia; AT, COMPLEMENTATION GROUP C; ATAXIA-TELANGIECTASIA, COMPLEMENTATION GROUP A; ATAXIA-TELANGIECTASIA, FRESNO VARIANT; Ataxia-telangiectasia. Identifiers: Orphanet 100, MedGen C0004135, MONDO:0008840, OMIM 208900.

Allele frequency attached by ClinVar (database versions not stated): gnomAD exomes below 0.00001; gnomAD 0.00001; TOPMed 0.00001.
gnomAD v4.1: 4 of 1,613,852 alleles (0.00025%); highest among the groups gnomAD compares: Middle Eastern, 0.016%; no homozygotes.

Submissions (6):

Myriad Genetics, Inc.
Classification: Benign for Familial cancer of breast. Last evaluated: 2024-05-24. Review status: criteria provided, single submitter. Criteria: Myriad Autosomal Dominant, Autosomal Recessive and X-Linked Classification Criteria (2023). Collection method: clinical testing. Allele origin: unknown.
Comment: This variant is considered benign. This variant is a silent/synonymous amino acid change and it is not expected to impact splicing.

Labcorp Genetics (formerly Invitae), Labcorp
Classification: Likely benign for Ataxia-telangiectasia syndrome. Last evaluated: 2024-03-15. Review status: criteria provided, single submitter. Criteria: Invitae Variant Classification Sherloc (09022015). Collection method: clinical testing. Allele origin: germline.

Color Diagnostics, LLC DBA Color Health
Classification: Likely benign for Hereditary cancer-predisposing syndrome. Last evaluated: 2024-01-14. Review status: criteria provided, single submitter. Criteria: ACMG Guidelines, 2015. Collection method: clinical testing. Allele origin: germline.

Blueprint Genetics
Classification: Likely benign. Last evaluated: 2023-05-22. Review status: criteria provided, single submitter. Criteria: ACMG Guidelines, 2015. Collection method: clinical testing. Allele origin: germline.

GeneDx
Classification: Likely benign. Last evaluated: 2018-01-03. Review status: criteria provided, single submitter. Criteria: GeneDx Variant Classification (06012015). Collection method: clinical testing. Allele origin: germline. Affected: yes.
Comment: This variant is considered likely benign or benign based on one or more of the following criteria: it is a conservative change, it occurs at a poorly conserved position in the protein, it is predicted to be benign by multiple in silico algorithms, and/or has population frequency not consistent with disease.

Ambry Genetics
Classification: Likely benign for Hereditary cancer-predisposing syndrome. Last evaluated: 2015-12-08. Review status: criteria provided, single submitter. Criteria: Ambry Variant Classification Scheme 2023. Collection method: clinical testing. Allele origin: germline.

NM_000051.4(ATM):c.5718A>G (p.Gln1906=)

Gene: ATM (ATM serine/threonine kinase; plus strand). Cytogenetic location: 11q22.3.
Variant type: single nucleotide variant.
Coding change: c.5718A>G on transcript NM_000051.4 (MANE Select); coding-DNA position 5718, A replaced by G.
Protein change: p.Gln1906=; no amino-acid change (glutamine 1906 retained).
Molecular consequence: synonymous variant.
Genome position (GRCh38, 1-based): chr11:108,307,940, A>G. VCF-style: chr11-108307940-A-G. GRCh37 (hg19) VCF-style: chr11-108178667-A-G.
Other names: c.5718A>G, p.Gln1906= (NM_001351834.2).
Identifiers: ClinVar variation 215586 (VCV000215586.19), dbSNP rs863224293, ClinGen allele CA337270.